The following is an entry in ClinVar:

ClinVar aggregate classification (germline): Uncertain significance (1 of 4 stars; one submission).

Conditions:
Kabuki syndrome. Also called: NIIKAWA-KUROKI SYNDROME; Kabuki make-up syndrome. Identifiers: Orphanet 2322, MedGen C0796004, MONDO:0016512.

Submission:

Labcorp Genetics (formerly Invitae), Labcorp
Classification: Uncertain significance for Kabuki syndrome. Last evaluated: 2025-08-13. Review status: criteria provided, single submitter. Criteria: Invitae Variant Classification Sherloc (09022015). Collection method: clinical testing. Allele origin: germline.
Comment: This variant, c.13347_13349del, results in the deletion of 1 amino acid(s) of the KMT2D protein (p.Leu4451del), but otherwise preserves the integrity of the reading frame. This variant is not present in population databases (gnomAD no frequency). This variant has not been reported in the literature in individuals affected with KMT2D-related conditions. Experimental studies and prediction algorithms are not available or were not evaluated, and the functional significance of this variant is currently unknown. In summary, the available evidence is currently insufficient to determine the role of this variant in disease. Therefore, it has been classified as a Variant of Uncertain Significance.

NM_003482.4(KMT2D):c.13344CCT[1] (p.Leu4451del)

Gene: KMT2D (lysine methyltransferase 2D; minus strand). Cytogenetic location: 12q13.12.
Variant type: Microsatellite.
Coding change: c.13344CCT[1] on transcript NM_003482.4 (MANE Select); one copy of the 3-base unit CCT starting at c.13344; the reference has two copies in a row; one copy, 3 bases deleted.
Protein change: p.Leu4451del; deletes leucine 4451.
Molecular consequence: inframe deletion.
Genome position (GRCh38, 1-based): chr12:49,031,356-49,031,358, AGG deleted on the plus strand (CCT on the coding strand, the reverse complement: KMT2D is on the minus strand); deleting any 3 consecutive bases within chr12:49,031,356-49,031,361 gives the same sequence; the position shown is the placement nearest the transcript's 3' end. VCF-style (leftmost placement, unchanged base first): chr12-49031355-CAGG-C. GRCh37 (hg19) VCF-style: chr12-49425138-CAGG-C.
Other names: short protein forms L4451del.
Identifiers: ClinVar variation 4744750 (VCV004744750.1).